The following is an entry in ClinVar:

ClinVar aggregate classification (germline): Uncertain significance (1 of 4 stars; one submission).

Conditions:
Pitt-Hopkins syndrome (PTHS). Also called: ENCEPHALOPATHY, SEVERE EPILEPTIC, WITH AUTONOMIC DYSFUNCTION; MENTAL RETARDATION, SYNDROMAL, WITH INTERMITTENT HYPERVENTILATION. Identifiers: Orphanet 2896, MedGen C1970431, MONDO:0012589, OMIM 610954.

Allele frequency attached by ClinVar (database versions not stated): gnomAD exomes 0.00001.
gnomAD v4.1: 9 of 1,613,056 alleles (0.00056%); highest among the groups gnomAD compares: South Asian, 0.0022%; no homozygotes.

Submission:

Labcorp Genetics (formerly Invitae), Labcorp
Classification: Uncertain significance for Pitt-Hopkins syndrome. Last evaluated: 2021-04-16. Review status: criteria provided, single submitter. Criteria: Invitae Variant Classification Sherloc (09022015). Collection method: clinical testing. Allele origin: germline.
Comment: In summary, the available evidence is currently insufficient to determine the role of this variant in disease. Therefore, it has been classified as a Variant of Uncertain Significance. Algorithms developed to predict the effect of sequence changes on RNA splicing suggest that this variant may create or strengthen a splice site, but this prediction has not been confirmed by published transcriptional studies. Algorithms developed to predict the effect of missense changes on protein structure and function are either unavailable or do not agree on the potential impact of this missense change (SIFT: "Deleterious"; PolyPhen-2: "Probably Damaging"; Align-GVGD: "Class C0"). This variant has not been reported in the literature in individuals with TCF4-related conditions. This variant is not present in population databases (ExAC no frequency). This sequence change replaces glycine with arginine at codon 302 of the TCF4 protein (p.Gly302Arg). The glycine residue is moderately conserved and there is a moderate physicochemical difference between glycine and arginine.

NM_001083962.2(TCF4):c.904G>A (p.Gly302Arg)

Genes: TCF4 (transcription factor 4; minus strand), LOC126862757 (CDK7 strongly-dependent group 2 enhancer GRCh37_chr18:52936433-52937632; plus strand). Cytogenetic location: 18q21.2.
Variant type: single nucleotide variant.
Coding change: c.904G>A on transcript NM_001083962.2 (MANE Select); coding-DNA position 904, G replaced by A.
Protein change: p.Gly302Arg; replaces glycine 302 with arginine.
Molecular consequence: missense variant.
Genome position (GRCh38, 1-based): chr18:55,269,849, C>T on the plus strand (G>A on the coding strand, the complement: TCF4 is on the minus strand). VCF-style: chr18-55269849-C-T. GRCh37 (hg19) VCF-style: chr18-52937080-C-T.
Other names: c.1210G>A, p.Gly404Arg (NM_001243226.3); c.832G>A, p.Gly278Arg (NM_001243227.2, NM_001306207.1, NM_001348217.1 and 9 more transcripts); c.922G>A, p.Gly308Arg (NM_001243228.2); c.898G>A, p.Gly300Arg (NM_001243230.2); c.778G>A, p.Gly260Arg (NM_001243231.2, NM_001348211.2); c.691G>A, p.Gly231Arg (NM_001243232.1, NM_001306208.1); c.514G>A, p.Gly172Arg (NM_001243233.2, NM_001330605.3, NM_001348212.2 and 1 more transcripts); c.424G>A, p.Gly142Arg (NM_001243234.2, NM_001243235.2, NM_001243236.2 and 2 more transcripts); and 4 more; short protein forms G142R, G172R, G231R, G302R, G260R, G300R, G301R, G404R.
Identifiers: ClinVar variation 958536 (VCV000958536.10), dbSNP rs1341198543, ClinGen allele CA402701123.